The following is an entry in ClinVar:

ClinVar aggregate classification (germline): Uncertain significance (1 of 4 stars; one submission).

Allele frequency attached by ClinVar (database versions not stated): gnomAD 0.00001; TOPMed 0.00002.

Submission:

Labcorp Genetics (formerly Invitae), Labcorp
Classification: Uncertain significance. Last evaluated: 2022-02-05. Review status: criteria provided, single submitter. Criteria: Invitae Variant Classification Sherloc (09022015). Collection method: clinical testing. Allele origin: germline.
Comment: This sequence change replaces isoleucine, which is neutral and non-polar, with valine, which is neutral and non-polar, at codon 221 of the SCP2 protein (p.Ile221Val). This variant is present in population databases (no rsID available, gnomAD 0.007%). This variant has not been reported in the literature in individuals affected with SCP2-related conditions. Algorithms developed to predict the effect of missense changes on protein structure and function output the following: SIFT: "Tolerated"; PolyPhen-2: "Benign"; Align-GVGD: "Class C0". The valine amino acid residue is found in multiple mammalian species, which suggests that this missense change does not adversely affect protein function. In summary, the available evidence is currently insufficient to determine the role of this variant in disease. Therefore, it has been classified as a Variant of Uncertain Significance.

NM_002979.5(SCP2):c.661A>G (p.Ile221Val)

Gene: SCP2 (sterol carrier protein 2; plus strand). Cytogenetic location: 1p32.3.
Variant type: single nucleotide variant.
Coding change: c.661A>G on transcript NM_002979.5 (MANE Select); coding-DNA position 661, A replaced by G.
Protein change: p.Ile221Val; replaces isoleucine 221 with valine.
Molecular consequence: missense variant.
Genome position (GRCh38, 1-based): chr1:52,976,756, A>G. VCF-style: chr1-52976756-A-G. GRCh37 (hg19) VCF-style: chr1-53442428-A-G.
Other names: c.529A>G, p.Ile177Val (NM_001007098.3, NM_001193600.2); c.589A>G, p.Ile197Val (NM_001193599.2); c.418A>G, p.Ile140Val (NM_001193617.2); c.661A>G, p.Ile221Val (NM_001330587.2); short protein forms I140V, I197V, I177V, I221V.
Identifiers: ClinVar variation 1957213 (VCV001957213.2), dbSNP rs1040843553, ClinGen allele CA22578775.
Genomic context (GRCh38, chr1:52,976,756, plus strand): 5'-CAAGATGAATACAGTTTAGATGAAGTGATGGCATCTAAAGAAGTTTTTGATTTTTTGACT[A>G]TCTTACAATGTTGGTAAGAAAAATATATTTTAACATTTAATGAGGGAAGTAACTGCTGCC-3'
Protein context (NP_002970.2, residues 211-231): ASKEVFDFLT[Ile221Val]LQCCPTSDGA